The following is an entry in ClinVar:

ClinVar aggregate classification (germline): Uncertain significance (1 of 4 stars; one submission).

Conditions:
Hajdu-Cheney syndrome (HJCYS). Also called: SERPENTINE FIBULA-POLYCYSTIC KIDNEY SYNDROME; Acroosteolysis dominant type; ACROOSTEOLYSIS WITH OSTEOPOROSIS AND CHANGES IN SKULL AND MANDIBLE. Identifiers: Orphanet 955, MedGen C0917715, MONDO:0007057, OMIM 102500.

Submission:

Labcorp Genetics (formerly Invitae), Labcorp
Classification: Uncertain significance for Hajdu-Cheney syndrome. Last evaluated: 2026-01-04. Review status: criteria provided, single submitter. Criteria: Invitae Variant Classification Sherloc (09022015). Collection method: clinical testing. Allele origin: germline.
Comment: This sequence change replaces valine, which is neutral and non-polar, with alanine, which is neutral and non-polar, at codon 327 of the NOTCH2 protein (p.Val327Ala). This variant is not present in population databases (gnomAD no frequency). This variant has not been reported in the literature in individuals affected with NOTCH2-related conditions. An algorithm developed to predict the effect of missense changes on protein structure and function (PolyPhen-2) suggests that this variant is likely to be disruptive. In summary, the available evidence is currently insufficient to determine the role of this variant in disease. Therefore, it has been classified as a Variant of Uncertain Significance.

NM_024408.4(NOTCH2):c.980T>C (p.Val327Ala)

Gene: NOTCH2 (notch receptor 2; minus strand). Cytogenetic location: 1p12.
Variant type: single nucleotide variant.
Coding change: c.980T>C on transcript NM_024408.4 (MANE Select); coding-DNA position 980, T replaced by C.
Protein change: p.Val327Ala; replaces valine 327 with alanine.
Molecular consequence: missense variant.
Genome position (GRCh38, 1-based): chr1:119,969,639, A>G on the plus strand (T>C on the coding strand, the complement: NOTCH2 is on the minus strand). VCF-style: chr1-119969639-A-G. GRCh37 (hg19) VCF-style: chr1-120512262-A-G.
Other names: c.980T>C, p.Val327Ala (NM_001200001.2); short protein forms V327A.
Identifiers: ClinVar variation 4734354 (VCV004734354.1).